The following is an entry in ClinVar:

ClinVar aggregate classification (germline): Pathogenic (1 of 4 stars; one submission).

Submission:

Labcorp Genetics (formerly Invitae), Labcorp
Classification: Pathogenic. Last evaluated: 2025-11-27. Review status: criteria provided, single submitter. Criteria: Invitae Variant Classification Sherloc (09022015). Collection method: clinical testing. Allele origin: germline.
Comment: This sequence change creates a premature translational stop signal (p.Gln301Thrfs*83) in the TULP1 gene. It is expected to result in an absent or disrupted protein product. Loss-of-function variants in TULP1 are known to be pathogenic (PMID: 8606774, 10549638, 15024725, 18055821). This variant is not present in population databases (gnomAD no frequency). This variant has not been reported in the literature in individuals affected with TULP1-related conditions. Algorithms developed to predict the effect of sequence changes on RNA splicing suggest that this variant may disrupt the consensus splice site. For these reasons, this variant has been classified as Pathogenic.

Literature cited by the submitters: PubMed 8606774; PubMed 10549638; PubMed 15024725; PubMed 18055821.

NM_003322.6(TULP1):c.900_901insA (p.Gln301fs)

Gene: TULP1 (TUB like protein 1; minus strand). Cytogenetic location: 6p21.31.
Variant type: Insertion.
Coding change: c.900_901insA on transcript NM_003322.6 (MANE Select); coding-DNA positions 900 to 901, A inserted.
Protein change: p.Gln301fs; shifts the reading frame from glutamine 301.
Molecular consequence: frameshift variant.
Genome position: GRCh38 VCF-style: chr6-35506101-G-GT. GRCh37 (hg19) VCF-style: chr6-35473878-G-GT.
Other names: c.741_742insA, p.Gln248fs (NM_001289395.2); short protein forms Q301fs, Q248fs.
Identifiers: ClinVar variation 4732162 (VCV004732162.1).